The following is an entry in ClinVar:

ClinVar aggregate classification (germline): Likely pathogenic (1 of 4 stars; one submission).

Conditions:
Autosomal dominant epilepsy.

Submission:

Women's Health and Genetics/Laboratory Corporation of America, LabCorp
Classification: Likely pathogenic for Autosomal dominant epilepsy. Last evaluated: 2018-08-02. Review status: criteria provided, single submitter. Criteria: LabCorp Variant Classification Summary - May 2015. Collection method: clinical testing. Allele origin: germline.
Comment: Variant summary: SCN1A c.4467delG (p.Lys1491ArgfsX10) results in a premature termination codon, predicted to cause a truncation of the encoded protein or absence of the protein due to nonsense mediated decay, which are commonly known mechanisms for disease. Truncations downstream of this position have been classified as pathogenic by our laboratory (eg. c.5536_5539delAAAC, p.Lys1846fsX11; c.5674C>T, p.Arg1892X; c.5734C>T, p.Arg1912X). The variant was absent in 118626 control chromosomes (ExAC). To our knowledge, no occurrence of c.4467delG in individuals affected with Febrile Seizures and no experimental evidence demonstrating its impact on protein function have been reported. No clinical diagnostic laboratories have submitted clinical-significance assessments for this variant to ClinVar after 2014. Based on the evidence outlined above, the variant was classified as likely pathogenic.

NM_001165963.4(SCN1A):c.4467del (p.Lys1491fs)

Genes: SCN1A (sodium voltage-gated channel alpha subunit 1; minus strand), LOC102724058 (uncharacterized LOC102724058; plus strand). Cytogenetic location: 2q24.3.
Variant type: Deletion.
Coding change: c.4467del on transcript NM_001165963.4 (MANE Select); coding-DNA position 4467, one base deleted (G; older notation c.4467delG).
Protein change: p.Lys1491fs; shifts the reading frame from lysine 1491.
Molecular consequence: frameshift variant. On other transcripts: non-coding transcript variant (1).
Genome position (GRCh38, 1-based): chr2:165,998,047, C deleted on the plus strand (G on the coding strand, the reverse complement: SCN1A is on the minus strand). VCF-style (leftmost placement, unchanged base first): chr2-165998046-TC-T. GRCh37 (hg19) VCF-style: chr2-166854556-TC-T.
Other names: c.4383del, p.Lys1463fs (NM_001165964.3, NM_001353957.2, NM_001353958.2); c.4467del, p.Lys1491fs (NM_001202435.3, NM_001353948.2); c.4434del, p.Lys1480fs (NM_001353949.2, NM_001353950.2, NM_001353951.2 and 2 more transcripts); c.4431del, p.Lys1479fs (NM_001353954.2, NM_001353955.2); c.4380del, p.Lys1462fs (NM_001353960.2); c.2025del, p.Lys677fs (NM_001353961.2); short protein forms K1479fs, K677fs, K1462fs, K1463fs, K1480fs, K1491fs.
Identifiers: ClinVar variation 632977 (VCV000632977.1), dbSNP rs1559118914, ClinGen allele CA913189630.